The following is an entry in ClinVar:

NM_015973.5(GAL):c.77C>T (p.Ser26Leu)

Gene: GAL (galanin and GMAP prepropeptide; plus strand). Cytogenetic location: 11q13.2.
Variant type: single nucleotide variant.
Coding change: c.77C>T on transcript NM_015973.5 (MANE Select); coding-DNA position 77, C replaced by T.
Protein change: p.Ser26Leu; replaces serine 26 with leucine.
Molecular consequence: missense variant.
Genome position (GRCh38, 1-based): chr11:68,685,000, C>T. VCF-style: chr11-68685000-C-T. GRCh37 (hg19) VCF-style: chr11-68452468-C-T.
Other names: short protein forms S26L.
Identifiers: ClinVar variation 966590 (VCV000966590.10), dbSNP rs201644659, ClinGen allele CA6151411.

ClinVar aggregate classification (germline): Uncertain significance. Review status: criteria provided, multiple submitters, no conflicts (2 of 4 stars). 2 submissions from 2 submitters: Uncertain significance (2). Last evaluated 2025-04-14.

Conditions:
Familial temporal lobe epilepsy 8. Identifiers: Orphanet 101046, MedGen C4225318, MONDO:0014650, OMIM 616461.

Allele frequency attached by ClinVar (database versions not stated): gnomAD exomes 0.00002; TOPMed 0.00002; gnomAD 0.00003 and 0.00004; ExAC 0.00006; ESP Exome Variant Server 0.00008.
gnomAD v4.1: 41 of 1,593,966 alleles (0.0026%); highest among the groups gnomAD compares: African/African-American, 0.0054%; no homozygotes.

Submissions (2):

Ambry Genetics
Classification: Uncertain significance. Last evaluated: 2025-04-14. Review status: criteria provided, single submitter. Criteria: Ambry Variant Classification Scheme 2023. Collection method: clinical testing. Allele origin: germline.

Labcorp Genetics (formerly Invitae), Labcorp
Classification: Uncertain significance for Familial temporal lobe epilepsy 8. Last evaluated: 2022-06-27. Review status: criteria provided, single submitter. Criteria: Invitae Variant Classification Sherloc (09022015). Collection method: clinical testing. Allele origin: germline.
Comment: In summary, the available evidence is currently insufficient to determine the role of this variant in disease. Therefore, it has been classified as a Variant of Uncertain Significance. Algorithms developed to predict the effect of missense changes on protein structure and function output the following: SIFT: "Not Available"; PolyPhen-2: "Benign"; Align-GVGD: "Not Available". The leucine amino acid residue is found in multiple mammalian species, which suggests that this missense change does not adversely affect protein function. ClinVar contains an entry for this variant (Variation ID: 966590). This variant has not been reported in the literature in individuals affected with GAL-related conditions. This variant is present in population databases (rs201644659, gnomAD 0.01%). This sequence change replaces serine, which is neutral and polar, with leucine, which is neutral and non-polar, at codon 26 of the GAL protein (p.Ser26Leu).